The following is an entry in ClinVar:

Conditions:
Breast-ovarian cancer, familial, susceptibility to, 1 (BROVCA1). Also called: BRCA1 Hereditary Breast and Ovarian Cancer; OVARIAN CANCER, SUSCEPTIBILITY TO. Identifiers: Orphanet 145, MedGen C2676676, MONDO:0011450, OMIM 604370. Disease mechanism: loss of function.

Submission:

Brotman Baty Institute, University of Washington
No classification provided (evidence only). Condition: Breast-ovarian cancer, familial 1. Review status: no classification provided. Collection method: in vitro. Allele origin: not applicable. Functional consequence: function_uncertain_variant.
ClinVar note: "not provided" was previously submitted as the classification for the variant. However, the classification appeared to be based only on an observation of functional data so it was converted to no classification on 2025-07-30.

NM_007294.4(BRCA1):c.4986+8T>G

Gene: BRCA1 (BRCA1 DNA repair associated; minus strand). Cytogenetic location: 17q21.31.
Variant type: single nucleotide variant.
Coding change: c.4986+8T>G on transcript NM_007294.4 (MANE Select); 8 bases into the intron after coding-DNA position 4986, T replaced by G.
Molecular consequence: intron variant.
Genome position (GRCh38, 1-based): chr17:43,070,920, A>C on the plus strand (T>G on the coding strand, the complement: BRCA1 is on the minus strand). VCF-style: chr17-43070920-A-C. GRCh37 (hg19) VCF-style: chr17-41222937-A-C.
Other names: c.1533+8T>G (NM_001408458.1, NM_001408461.1, NM_001408464.1 and 7 more transcripts); c.4095+8T>G (NM_001407967.1); c.4605+8T>G (NM_001407959.1); c.4719+8T>G (NM_001407931.1, NM_001407932.1, NM_001407928.1 and 4 more transcripts); c.4842+8T>G (NM_001407747.1, NM_001407745.1, NM_001407737.1 and 21 more transcripts); c.4602+8T>G (NM_001407962.1, NM_001407960.1); c.1173+8T>G (NM_001408512.1); c.1296+8T>G (NM_001408510.1); and 71 more.
Identifiers: ClinVar variation 865496 (VCV000865496.3), dbSNP rs2052351866, ClinGen allele CA916080187.